The following is an entry in ClinVar:

NM_000038.6(APC):c.4354G>A (p.Val1452Ile)

Gene: APC (APC regulator of Wnt signaling pathway; plus strand). Cytogenetic location: 5q22.2.
Variant type: single nucleotide variant.
Coding change: c.4354G>A on transcript NM_000038.6 (MANE Select); coding-DNA position 4354, G replaced by A.
Protein change: p.Val1452Ile; replaces valine 1452 with isoleucine.
Molecular consequence: missense variant. On other transcripts: non-coding transcript variant (2).
Genome position (GRCh38, 1-based): chr5:112,839,948, G>A. VCF-style: chr5-112839948-G-A. GRCh37 (hg19) VCF-style: chr5-112175645-G-A.
Other names: c.4354G>A, p.Val1452Ile (NM_001127510.3, NM_001354895.2, NM_001407450.1); c.4300G>A, p.Val1434Ile (NM_001127511.3); c.4408G>A, p.Val1470Ile (NM_001354896.2, NM_001407447.1, NM_001407448.1 and 1 more transcripts); c.4384G>A, p.Val1462Ile (NM_001354897.2); c.4279G>A, p.Val1427Ile (NM_001354898.2); c.4270G>A, p.Val1424Ile (NM_001354899.2); c.4231G>A, p.Val1411Ile (NM_001354900.2); c.4177G>A, p.Val1393Ile (NM_001354901.2, NM_001407453.1); and 11 more; short protein forms V1393I, V1424I, V1445I, V1480I, V1292I, V1323I, V1369I, V1462I.
Identifiers: ClinVar variation 3882782 (VCV003882782.2).

ClinVar aggregate classification (germline): Uncertain significance. Review status: criteria provided, multiple submitters, no conflicts (2 of 4 stars). 3 submissions from 3 submitters: Uncertain significance (3). Last evaluated 2025-12-23.

Conditions:
Hereditary cancer-predisposing syndrome. Also called: Tumor predisposition; Neoplastic Syndromes, Hereditary; Hereditary Cancer Syndrome; Hereditary neoplastic syndrome. Identifiers: Orphanet 140162, MedGen C0027672, MeSH D009386, MONDO:0015356.
Familial adenomatous polyposis 1 (FAP1). Also called: POLYPOSIS, ADENOMATOUS INTESTINAL; FAMILIAL ADENOMATOUS POLYPOSIS 1, ATTENUATED. Identifiers: MedGen C2713442, MONDO:0021056, OMIM 175100. Disease mechanism: loss of function.

gnomAD v4.1: 2 of 1,613,956 alleles (0.00012%); highest among the groups gnomAD compares: East Asian, 0.0022%; no homozygotes.

Submissions (3):

Labcorp Genetics (formerly Invitae), Labcorp
Classification: Uncertain significance for Familial adenomatous polyposis 1. Last evaluated: 2025-12-23. Review status: criteria provided, single submitter. Criteria: Invitae Variant Classification Sherloc (09022015). Collection method: clinical testing. Allele origin: germline.
Comment: This sequence change replaces valine, which is neutral and non-polar, with isoleucine, which is neutral and non-polar, at codon 1452 of the APC protein (p.Val1452Ile). This variant is present in population databases (no rsID available, gnomAD 0.006%). This variant has not been reported in the literature in individuals affected with APC-related conditions. ClinVar contains an entry for this variant (Variation ID: 3882782). Invitae Evidence Modeling of protein sequence and biophysical properties (such as structural, functional, and spatial information, amino acid conservation, physicochemical variation, residue mobility, and thermodynamic stability) indicates that this missense variant is not expected to disrupt APC protein function with a negative predictive value of 95%. In summary, the available evidence is currently insufficient to determine the role of this variant in disease. Therefore, it has been classified as a Variant of Uncertain Significance.

Color Diagnostics, LLC DBA Color Health
Classification: Uncertain significance for Hereditary cancer-predisposing syndrome. Last evaluated: 2025-06-25. Review status: criteria provided, single submitter. Criteria: ACMG Guidelines, 2015. Collection method: clinical testing. Allele origin: germline.
Comment: This missense variant replaces valine with isoleucine at codon 1452 of the APC protein. Computational prediction suggests that this variant may not impact protein structure and function. To our knowledge, functional studies have not been reported for this variant. This variant has not been reported in individuals affected with APC-related disorders in the literature. This variant has been identified in 1/251210 chromosomes in the general population by the Genome Aggregation Database (gnomAD). The available evidence is insufficient to determine the role of this variant in disease conclusively. Therefore, this variant is classified as a Variant of Uncertain Significance.

Ambry Genetics
Classification: Uncertain significance for Hereditary cancer-predisposing syndrome. Last evaluated: 2025-03-07. Review status: criteria provided, single submitter. Criteria: Ambry Variant Classification Scheme 2023. Collection method: clinical testing. Allele origin: germline.
Comment: The p.V1452I variant (also known as c.4354G>A), located in coding exon 15 of the APC gene, results from a G to A substitution at nucleotide position 4354. The valine at codon 1452 is replaced by isoleucine, an amino acid with highly similar properties. This amino acid position is conserved. In addition, in silico predictors for this gene do not accurately predict pathogenicity. Based on the available evidence, the clinical significance of this variant remains unclear.